The following is an entry in ClinVar:

ClinVar aggregate classification (germline): Pathogenic/Likely pathogenic. Review status: criteria provided, multiple submitters, no conflicts (2 of 4 stars). 6 submissions from 6 submitters: Pathogenic (4); Likely pathogenic (1). 1 of the submissions does not count toward it. Last evaluated 2025-11-01.

Conditions:
MNS1-related disorder. Also called: MNS1-related condition.
Heterotaxy, visceral, 9, autosomal, with male infertility. Identifiers: MedGen C5394551, MONDO:0030070, OMIM 618948.

Allele frequency attached by ClinVar (database versions not stated): ExAC 0.00036; ESP Exome Variant Server 0.00008; TOPMed 0.00012; 1000 Genomes Project 30x 0.00031; 1000 Genomes Project 0.00040.
gnomAD v4.1: 273 of 1,605,450 alleles (0.017%); highest among the groups gnomAD compares: South Asian, 0.12%; 1 homozygote.

Submissions (6):

CeGaT Center for Human Genetics Tuebingen
Classification: Likely pathogenic. Last evaluated: 2025-11-01. Review status: criteria provided, single submitter. Criteria: CeGaT Center For Human Genetics Tuebingen Variant Classification Criteria Version 2. Collection method: clinical testing. Allele origin: germline. Affected: yes. Observed: 1 variant allele.
Comment: MNS1: PVS1:Strong, PM2, PM3

GeneDx
Classification: Pathogenic. Last evaluated: 2025-10-16. Review status: criteria provided, single submitter. Criteria: GeneDx Variant Classification Process June 2021. Collection method: clinical testing. Allele origin: germline.
Comment: Nonsense variant predicted to result in protein truncation or nonsense mediated decay in a gene for which loss of function is a known mechanism of disease; This variant is associated with the following publications: (PMID: 34426522, 31345219, 31534215, 35547246, 30148830, 39513328, 38920647, 30845214, 41078601, 39036705)

First Genomix Gene Laboratory, Genetic Diagnostics Department
Classification: Pathogenic for Heterotaxy, visceral, 9, autosomal, with male infertility. Last evaluated: 2025-03-17. Review status: criteria provided, single submitter. Criteria: ACMG Guidelines, 2015. Collection method: clinical testing. Allele origin: germline. Inheritance: Autosomal recessive inheritance. Affected: no. Observed: 2 variant alleles.

PreventionGenetics, part of Exact Sciences
Classification: Pathogenic for MNS1-related condition. Last evaluated: 2025-01-18. Review status: criteria provided, single submitter. Criteria: ACMG Guidelines, 2015. Collection method: clinical testing. Allele origin: germline.
Comment: The MNS1 c.724C>T variant is predicted to result in premature protein termination (p.Arg242*). This variant was reported in the homozygous state in three individuals with laterality defects (Ta-Shma et al. 2018. PubMed ID: 30148830). This variant is reported in 0.087% of alleles in individuals of South Asian descent in gnomAD. Nonsense variants in MNS1 are expected to be pathogenic. This variant is interpreted as pathogenic.

Labcorp Genetics (formerly Invitae), Labcorp
Classification: Pathogenic. Last evaluated: 2022-10-14. Review status: criteria provided, single submitter. Criteria: Invitae Variant Classification Sherloc (09022015). Collection method: clinical testing. Allele origin: germline.
Comment: This sequence change creates a premature translational stop signal (p.Arg242*) in the MNS1 gene. It is expected to result in an absent or disrupted protein product. Loss-of-function variants in MNS1 are known to be pathogenic (PMID: 30148830, 31534215). This variant is present in population databases (rs185005213, gnomAD 0.09%). This premature translational stop signal has been observed in individual(s) with laterality defects (PMID: 30148830). ClinVar contains an entry for this variant (Variation ID: 973691). For these reasons, this variant has been classified as Pathogenic.

OMIM
Classification: Pathogenic for HETEROTAXY, VISCERAL, 9, AUTOSOMAL, WITH MALE INFERTILITY. Last evaluated: 2020-07-22. Review status: no assertion criteria provided. Collection method: literature only. Allele origin: germline. Not counted in ClinVar's aggregate classification.

Literature cited by the submitters: PubMed 30148830 (cited by Labcorp Genetics (formerly Invitae), Labcorp and OMIM); PubMed 31534215 (cited by Labcorp Genetics (formerly Invitae), Labcorp).

NM_018365.4(MNS1):c.724C>T (p.Arg242Ter)

Genes: MNS1 (meiosis specific nuclear structural 1; minus strand), TEX9 (testis expressed 9; plus strand). Cytogenetic location: 15q21.3.
Variant type: single nucleotide variant.
Coding change: c.724C>T on transcript NM_018365.4 (MANE Select); coding-DNA position 724, C replaced by T.
Protein change: p.Arg242Ter; replaces arginine 242 with a stop codon.
Molecular consequence: nonsense. On other transcripts: intron variant (2).
Genome position (GRCh38, 1-based): chr15:56,443,817, G>A on the plus strand (C>T on the coding strand, the complement: MNS1 is on the minus strand). VCF-style: chr15-56443817-G-A. GRCh37 (hg19) VCF-style: chr15-56736015-G-A.
Other names: MNS1, ARG242TER (rs185005213); c.724C>T (NM_018365.2); c.*30-1854G>A (NM_001286449.2, NM_198524.3); short protein forms R242*.
Identifiers: ClinVar variation 973691 (VCV000973691.54), dbSNP rs185005213, ClinGen allele CA7579472.